The following is an entry in ClinVar:

ClinVar aggregate classification (germline): Pathogenic (1 of 4 stars; one submission).

Conditions:
Hereditary nonpolyposis colorectal neoplasms. Identifiers: MedGen C0009405, MeSH D003123.

Submission:

Labcorp Genetics (formerly Invitae), Labcorp
Classification: Pathogenic for Hereditary nonpolyposis colorectal neoplasms. Last evaluated: 2019-01-29. Review status: criteria provided, single submitter. Criteria: Invitae Variant Classification Sherloc (09022015). Collection method: clinical testing. Allele origin: germline.
Comment: For these reasons, this variant has been classified as Pathogenic. Loss-of-function variants in MSH6 are known to be pathogenic (PMID: 18269114, 24362816). This variant has not been reported in the literature in individuals with MSH6-related conditions. This variant is not present in population databases (ExAC no frequency). This sequence change creates a premature translational stop signal (p.Tyr166*) in the MSH6 gene. It is expected to result in an absent or disrupted protein product.

Literature cited by the submitters: PubMed 18269114; PubMed 24362816.

NM_000179.3(MSH6):c.498C>G (p.Tyr166Ter)

Gene: MSH6 (mutS homolog 6; plus strand). Cytogenetic location: 2p16.3.
Variant type: single nucleotide variant.
Coding change: c.498C>G on transcript NM_000179.3 (MANE Select); coding-DNA position 498, C replaced by G.
Protein change: p.Tyr166Ter; replaces tyrosine 166 with a stop codon.
Molecular consequence: nonsense. On other transcripts: 5 prime UTR variant (1), intron variant (2).
Genome position (GRCh38, 1-based): chr2:47,795,934, C>G. VCF-style: chr2-47795934-C-G. GRCh37 (hg19) VCF-style: chr2-48023073-C-G.
Other names: c.-405C>G (NM_001281494.2); c.-279-2677C>G (NM_001281493.2); c.238-2677C>G (NM_001281492.2); short protein forms Y166*.
Identifiers: ClinVar variation 863491 (VCV000863491.8), dbSNP rs587779313, ClinGen allele CA346738641.